The following is an entry in ClinVar:

ClinVar aggregate classification (germline): Likely pathogenic (1 of 4 stars; one submission).

Submission:

Labcorp Genetics (formerly Invitae), Labcorp
Classification: Likely pathogenic. Last evaluated: 2025-11-16. Review status: criteria provided, single submitter. Criteria: Invitae Variant Classification Sherloc (09022015). Collection method: clinical testing. Allele origin: germline.
Comment: This variant results in the deletion of part of exon 4 (c.598_606+13del) of the COL11A2 gene. It is expected to disrupt RNA splicing. Variants that disrupt the donor or acceptor splice site typically lead to a loss of protein function (PMID: 16199547), and loss-of-function variants in COL11A2 are known to be pathogenic (PMID: 10677296, 21204229). This variant is not present in population databases (gnomAD no frequency). This variant has not been reported in the literature in individuals affected with COL11A2-related conditions. In summary, the currently available evidence indicates that the variant is pathogenic, but additional data are needed to prove that conclusively. Therefore, this variant has been classified as Likely Pathogenic.

Literature cited by the submitters: PubMed 16199547; PubMed 10677296; PubMed 21204229.

NM_080680.3(COL11A2):c.598_606+13del

Gene: COL11A2 (collagen type XI alpha 2 chain; minus strand). Cytogenetic location: 6p21.32.
Variant type: Deletion.
Coding change: c.598_606+13del on transcript NM_080680.3 (MANE Select); coding-DNA position 598 through 13 bases into the intron after coding-DNA position 606, 22 bases deleted (GTCTTTGAGGTAACCAGAGCAA).
Molecular consequence: splice donor variant.
Genome position (GRCh38, 1-based): chr6:33,188,349-33,188,370, TTGCTCTGGTTACCTCAAAGAC deleted on the plus strand (GTCTTTGAGGTAACCAGAGCAA on the coding strand, the reverse complement: COL11A2 is on the minus strand); deleting any 22 consecutive bases within chr6:33,188,349-33,188,372 gives the same sequence; the c. name uses the placement nearest the transcript's 3' end. VCF-style (leftmost placement, unchanged base first): chr6-33188348-ATTGCTCTGGTTACCTCAAAGAC-A. GRCh37 (hg19) VCF-style: chr6-33156125-ATTGCTCTGGTTACCTCAAAGAC-A.
Other names: c.-249_-241+13del (NM_001424111.1, NM_001424110.1, NM_001424109.1); c.598_606+13del (NM_080679.3, NM_080681.3, NM_001424108.1 and 1 more transcripts).
Identifiers: ClinVar variation 4730756 (VCV004730756.1).
Genomic context (GRCh38, chr6:33,188,348, plus strand): 5'-TGCTGGGGCCAGAAGGGTAGTGGGCACAAGATAGGGGACCAGAAGTCAATCCTGCCTCTG[ATTGCTCTGGTTACCTCAAAGAC>A]TTCTTCATCCAGAATACGGGCACCAAAGATGATCACTCCATGGGTGTCCAATACTGGACG-3'